The following is an entry in ClinVar:

ClinVar aggregate classification (germline): Uncertain significance (1 of 4 stars; one submission).

gnomAD v4.1: 210 of 1,589,370 alleles (0.013%); highest among the groups gnomAD compares: East Asian, 0.42%; 1 homozygote.

Submission:

Labcorp Genetics (formerly Invitae), Labcorp
Classification: Uncertain significance. Last evaluated: 2025-11-09. Review status: criteria provided, single submitter. Criteria: Invitae Variant Classification Sherloc (09022015). Collection method: clinical testing. Allele origin: germline.
Comment: This sequence change replaces glutamic acid, which is acidic and polar, with lysine, which is basic and polar, at codon 252 of the GCKR protein (p.Glu252Lys). This variant is present in population databases (rs183894823, gnomAD 0.08%), and has an allele count higher than expected for a pathogenic variant. This variant has not been reported in the literature in individuals affected with GCKR-related conditions. Invitae Evidence Modeling of protein sequence and biophysical properties (such as structural, functional, and spatial information, amino acid conservation, physicochemical variation, residue mobility, and thermodynamic stability) indicates that this missense variant is expected to disrupt GCKR protein function with a positive predictive value of 80%. In summary, the available evidence is currently insufficient to determine the role of this variant in disease. Therefore, it has been classified as a Variant of Uncertain Significance.

NM_001486.4(GCKR):c.754G>A (p.Glu252Lys)

Gene: GCKR (glucokinase regulator; plus strand). Cytogenetic location: 2p23.3.
Variant type: single nucleotide variant.
Coding change: c.754G>A on transcript NM_001486.4 (MANE Select); coding-DNA position 754, G replaced by A.
Protein change: p.Glu252Lys; replaces glutamic acid 252 with lysine.
Molecular consequence: missense variant.
Genome position (GRCh38, 1-based): chr2:27,505,721, G>A. VCF-style: chr2-27505721-G-A. GRCh37 (hg19) VCF-style: chr2-27728588-G-A.
Other names: short protein forms E252K.
Identifiers: ClinVar variation 4719911 (VCV004719911.1).